The following is an entry in ClinVar:

ClinVar aggregate classification (germline): Likely benign. Review status: criteria provided, single submitter (1 of 4 stars). 2 submissions from 2 submitters: Likely benign (1). 1 of the submissions does not count toward it. Last evaluated 2026-01-24.

Conditions:
NFKB2-related disorder. Also called: NFKB2-related condition.
Immunodeficiency, common variable, 10. Also called: IMMUNODEFICIENCY, COMMON VARIABLE, WITH CENTRAL ADRENAL INSUFFICIENCY; DEFICIT IN ANTERIOR PITUITARY FUNCTION AND VARIABLE IMMUNODEFICIENCY. Identifiers: MedGen C3809991, MONDO:0014260, OMIM 615577.

Allele frequency attached by ClinVar (database versions not stated): gnomAD 0.00004 and 0.00005; gnomAD exomes 0.00006 and 0.00011; TOPMed 0.00006; ExAC 0.00010; ESP Exome Variant Server 0.00016.

Submissions (2):

Labcorp Genetics (formerly Invitae), Labcorp
Classification: Likely benign for Immunodeficiency, common variable, 10. Last evaluated: 2026-01-24. Review status: criteria provided, single submitter. Criteria: Invitae Variant Classification Sherloc (09022015). Collection method: clinical testing. Allele origin: germline.

PreventionGenetics, part of Exact Sciences
Classification: Likely benign for NFKB2-related condition. Last evaluated: 2022-03-31. Review status: no assertion criteria provided. Collection method: clinical testing. Allele origin: germline. Not counted in ClinVar's aggregate classification.
Comment: This variant is classified as likely benign based on ACMG/AMP sequence variant interpretation guidelines (Richards et al. 2015 PMID: 25741868, with internal and published modifications).

NM_001322934.2(NFKB2):c.216G>A (p.Lys72=)

Gene: NFKB2 (nuclear factor kappa B subunit 2; plus strand). Cytogenetic location: 10q24.32.
Variant type: single nucleotide variant.
Coding change: c.216G>A on transcript NM_001322934.2 (MANE Select); coding-DNA position 216, G replaced by A.
Protein change: p.Lys72=; no amino-acid change (lysine 72 retained).
Molecular consequence: synonymous variant.
Genome position (GRCh38, 1-based): chr10:102,396,796, G>A. VCF-style: chr10-102396796-G-A. GRCh37 (hg19) VCF-style: chr10-104156553-G-A.
Other names: c.216G>A, p.Lys72= (LRG_1347t1, NM_001077494.3, NM_001261403.3 and 3 more transcripts).
Identifiers: ClinVar variation 541635 (VCV000541635.12), dbSNP rs369551276, ClinGen allele CA5664490.
Genomic context (GRCh38, chr10:102,396,796, plus strand): 5'-ATTTCGATATGGCTGTGAAGGCCCCTCCCATGGAGGACTGCCCGGTGCCTCCAGTGAGAA[G>A]GGCCGAAAGACCTATCCCACTGTCAAGGTGAGCCAGGATGGTGCTGGAGGGTGGGCTAAG-3'
Protein context (NP_001309863.1, residues 62-82): HGGLPGASSE[Lys72=]GRKTYPTVKI